The following is an entry in ClinVar:

NM_001366385.1(CARD14):c.2645del (p.Gly882fs)

Genes: CARD14 (caspase recruitment domain family member 14; plus strand), SGSH (N-sulfoglucosamine sulfohydrolase; minus strand), LOC126862662 (MED14-independent group 3 enhancer GRCh37_chr17:78178385-78179584; plus strand). Cytogenetic location: 17q25.3.
Variant type: Deletion.
Coding change: c.2645del on transcript NM_001366385.1 (MANE Select); coding-DNA position 2645, one base deleted (G; older notation c.2645delG).
Protein change: p.Gly882fs; shifts the reading frame from glycine 882.
Molecular consequence: frameshift variant. On other transcripts: non-coding transcript variant (1).
Genome position (GRCh38, 1-based): chr17:80,205,606, G deleted; the last of 5 consecutive G bases (chr17:80,205,602-80,205,606); deleting any one gives the same sequence. VCF-style (leftmost placement, unchanged base first): chr17-80205601-CG-C. GRCh37 (hg19) VCF-style: chr17-78179400-CG-C.
Other names: c.2645del, p.Gly882fs (NM_024110.4); short protein forms G882fs.
Identifiers: ClinVar variation 2029499 (VCV002029499.4), dbSNP rs2510779570, ClinGen allele CA628019271.

ClinVar aggregate classification (germline): Uncertain significance (1 of 4 stars; one submission).

Conditions:
Psoriasis 2. Identifiers: MedGen C1864497, MONDO:0011269, OMIM 602723.
Pityriasis rubra pilaris (PRP). Also called: Pityriasis rubra pilaris--familial type. Identifiers: Orphanet 2897, MedGen C0032027, MONDO:0100017, OMIM 173200, MONDO:0008251.

Submission:

Labcorp Genetics (formerly Invitae), Labcorp
Classification: Uncertain significance for Pityriasis rubra pilaris; Psoriasis 2. Last evaluated: 2022-09-07. Review status: criteria provided, single submitter. Criteria: Invitae Variant Classification Sherloc (09022015). Collection method: clinical testing. Allele origin: germline.
Comment: In summary, the available evidence is currently insufficient to determine the role of this variant in disease. Therefore, it has been classified as a Variant of Uncertain Significance. This variant has not been reported in the literature in individuals affected with CARD14-related conditions. The frequency data for this variant in the population databases is considered unreliable, as metrics indicate poor data quality at this position in the gnomAD database. This sequence change creates a premature translational stop signal (p.Gly882Alafs*5) in the CARD14 gene. It is expected to result in an absent or disrupted protein product. However, the current clinical and genetic evidence is not sufficient to establish whether loss-of-function variants in CARD14 cause disease.